The following is an entry in ClinVar:

ClinVar aggregate classification (germline): Uncertain significance. Review status: criteria provided, multiple submitters, no conflicts (2 of 4 stars). 2 submissions from 2 submitters: Uncertain significance (2). Last evaluated 2026-07-07.

Conditions:
Hereditary cancer-predisposing syndrome. Also called: Tumor predisposition; Hereditary Cancer Syndrome; Hereditary neoplastic syndrome; Neoplastic Syndromes, Hereditary. Identifiers: Orphanet 140162, MedGen C0027672, MeSH D009386, MONDO:0015356.

Allele frequency attached by ClinVar (database versions not stated): 1000 Genomes Project 30x 0.00031; gnomAD 0.00001.
gnomAD v4.1: 2 of 1,592,322 alleles (0.00013%); highest among the groups gnomAD compares: African/African-American, 0.0013%; no homozygotes.

Submissions (2):

Ambry Genetics
Classification: Uncertain significance for Hereditary cancer-predisposing syndrome. Last evaluated: 2026-07-07. Review status: criteria provided, single submitter. Criteria: Ambry Variant Classification Scheme 2023. Collection method: clinical testing. Allele origin: germline.
Comment: The p.M16L variant (also known as c.46A>T), located in coding exon 1 of the NTHL1 gene, results from an A to T substitution at nucleotide position 46. The methionine at codon 16 is replaced by leucine, an amino acid with highly similar properties. This amino acid position is conserved. In addition, this alteration is predicted to be tolerated by in silico analysis. Based on the available evidence, the clinical significance of this variant remains unclear.

Labcorp Genetics (formerly Invitae), Labcorp
Classification: Uncertain significance. Last evaluated: 2022-05-02. Review status: criteria provided, single submitter. Criteria: Invitae Variant Classification Sherloc (09022015). Collection method: clinical testing. Allele origin: germline.
Comment: Algorithms developed to predict the effect of sequence changes on RNA splicing suggest that this variant may create or strengthen a splice site. In summary, the available evidence is currently insufficient to determine the role of this variant in disease. Therefore, it has been classified as a Variant of Uncertain Significance. Algorithms developed to predict the effect of missense changes on protein structure and function are either unavailable or do not agree on the potential impact of this missense change (SIFT: "Not Available"; PolyPhen-2: "Benign"; Align-GVGD: "Not Available"). This variant has not been reported in the literature in individuals affected with NTHL1-related conditions. This variant is not present in population databases (gnomAD no frequency). This sequence change replaces methionine, which is neutral and non-polar, with leucine, which is neutral and non-polar, at codon 16 of the NTHL1 protein (p.Met16Leu).

NM_002528.7(NTHL1):c.22A>T (p.Met8Leu)

Gene: NTHL1 (nth like DNA glycosylase 1; minus strand). Cytogenetic location: 16p13.3.
Variant type: single nucleotide variant.
Coding change: c.22A>T on transcript NM_002528.7 (MANE Select); coding-DNA position 22, A replaced by T.
Protein change: p.Met8Leu; replaces methionine 8 with leucine.
Molecular consequence: missense variant. On other transcripts: 5 prime UTR variant (1).
Genome position (GRCh38, 1-based): chr16:2,047,802, T>A on the plus strand (A>T on the coding strand, the complement: NTHL1 is on the minus strand). VCF-style: chr16-2047802-T-A. GRCh37 (hg19) VCF-style: chr16-2097803-T-A.
Other names: c.22A>T, p.Met8Leu (NM_001318193.2); c.-157A>T (NM_001318194.2); c.46A>T (NM_002528.5); short protein forms M8L.
Identifiers: ClinVar variation 2132994 (VCV002132994.5), dbSNP rs1596228289, ClinGen allele CA394298609.
Genomic context (GRCh38, chr16:2,047,802, plus strand): 5'-GCTCCTCCCTACACCCCCGCGGCCCAGCCCCGGGTCCCAGGCTCCGGCTCCGGGTCAGCA[T>A]CCTCGCGCTCAAGGCGGTCATGCCGGACTCCTGCGGACTACACATCCCGGCGGCCCATGC-3'
Protein context (NP_002519.2, residues 1-18): MTALSAR[Met8Leu]LTRSRSLGPG